The following is an entry in ClinVar:

NM_005419.4(STAT2):c.1630C>T (p.Arg544Ter)

Gene: STAT2 (signal transducer and activator of transcription 2; minus strand). Cytogenetic location: 12q13.3.
Variant type: single nucleotide variant.
Coding change: c.1630C>T on transcript NM_005419.4 (MANE Select); coding-DNA position 1630, C replaced by T.
Protein change: p.Arg544Ter; replaces arginine 544 with a stop codon.
Molecular consequence: nonsense.
Genome position (GRCh38, 1-based): chr12:56,348,623, G>A on the plus strand (C>T on the coding strand, the complement: STAT2 is on the minus strand). VCF-style: chr12-56348623-G-A. GRCh37 (hg19) VCF-style: chr12-56742407-G-A.
Other names: c.1597C>T, p.Arg533Ter (NM_001385110.1); c.1531C>T, p.Arg511Ter (NM_001385111.1); c.1630C>T, p.Arg544Ter (NM_001385113.1); c.1609C>T, p.Arg537Ter (NM_001385114.1); c.1588C>T, p.Arg530Ter (NM_001385115.1); c.1618C>T, p.Arg540Ter (NM_198332.2); short protein forms R537*, R540*, R544*, R511*, R530*, R533*.
Identifiers: ClinVar variation 2787614 (VCV002787614.3), dbSNP rs1877915798, ClinGen allele CA385260418.

ClinVar aggregate classification (germline): Pathogenic (1 of 4 stars; one submission).

Conditions:
Primary immunodeficiency with post-measles-mumps-rubella vaccine viral infection. Also called: Immunodeficiency 44. Identifiers: Orphanet 431166, MedGen C4225260, MONDO:0014715, OMIM 616636.

Allele frequency attached by ClinVar (database versions not stated): gnomAD exomes below 0.00001.
gnomAD v4.1: 1 of 1,614,182 alleles (0.000062%); highest among the groups gnomAD compares: Non-Finnish European, 0.000085%; no homozygotes.

Submission:

Labcorp Genetics (formerly Invitae), Labcorp
Classification: Pathogenic for Primary immunodeficiency with post-measles-mumps-rubella vaccine viral infection. Last evaluated: 2023-09-08. Review status: criteria provided, single submitter. Criteria: Invitae Variant Classification Sherloc (09022015). Collection method: clinical testing. Allele origin: germline.
Comment: For these reasons, this variant has been classified as Pathogenic. This variant has not been reported in the literature in individuals affected with STAT2-related conditions. This variant is not present in population databases (gnomAD no frequency). This sequence change creates a premature translational stop signal (p.Arg544*) in the STAT2 gene. It is expected to result in an absent or disrupted protein product. Loss-of-function variants in STAT2 are known to be pathogenic (PMID: 23391734, 26122121).

Literature cited by the submitters: PubMed 23391734; PubMed 26122121.